The following is an entry in ClinVar:

ClinVar aggregate classification (germline): Uncertain significance. Review status: criteria provided, multiple submitters, no conflicts (2 of 4 stars). 2 submissions from 2 submitters: Uncertain significance (2). Last evaluated 2025-06-01.
ClinVar aggregate classification (somatic clinical impact): Tier I - Strong (1 of 4 stars; one submission).

Conditions:
Medulloblastoma WNT activated. Identifiers: MedGen C4331965, MONDO:0850196.

Submissions (3):

CeGaT Center for Human Genetics Tuebingen
Classification: Uncertain significance. Last evaluated: 2025-06-01. Review status: criteria provided, single submitter. Criteria: CeGaT Center For Human Genetics Tuebingen Variant Classification Criteria Version 2. Collection method: clinical testing. Allele origin: germline. Affected: yes. Observed: 1 variant allele.
Comment: CSNK2B: PM2, PP2

Institute for Genomic Medicine (IGM) Clinical Laboratory, Nationwide Children's Hospital
Classification: Tier I - Strong for Medulloblastoma WNT activated. Assertion type: diagnostic. Clinical significance: supports diagnosis. Last evaluated: 2022-10-31. Review status: criteria provided, single submitter. Criteria: AMP/ASCO/CAP Guidelines, 2017. Collection method: clinical testing. Allele origin: somatic. Affected: yes.
Comment: Variant has Tier I (strong) clinical significance as a diagnostic inclusion criterion in medulloblastoma WNT activated, based on the following evidence: 1) Documented in one or more cancer databases (e.g., St. Jude Pecan, COSMIC, CIViC, OncoKB). 2) Appears in one or more well-established professional guidelines (e.g., World Health Organization [WHO]; National Comprehensive Cancer Network [NCCN]) as providing diagnostic, prognostic, or therapeutic information. 3) Information in the literature supports potential biologic effect of variant (PMIDs: 33994545, 16342409, 12244125, 30588243). 4) Diagnostic for a specific tumor type/classification based on well-powered studies with expert-level consensus (Evidence Level B; PMIDs: 22820256, 28726821, 31799776, 30588243).

GeneDx
Classification: Uncertain significance. Last evaluated: 2022-08-11. Review status: criteria provided, single submitter. Criteria: GeneDx Variant Classification Process June 2021. Collection method: clinical testing. Allele origin: germline. Affected: yes.
Comment: Not observed at significant frequency in large population cohorts (gnomAD); In silico analysis supports that this missense variant has a deleterious effect on protein structure/function; Has not been previously published as pathogenic or benign to our knowledge

Literature cited by the submitters: PubMed 33994545 (cited by Institute for Genomic Medicine (IGM) Clinical Laboratory, Nationwide Children's Hospital); PubMed 16342409 (cited by Institute for Genomic Medicine (IGM) Clinical Laboratory, Nationwide Children's Hospital); PubMed 12244125 (cited by Institute for Genomic Medicine (IGM) Clinical Laboratory, Nationwide Children's Hospital); PubMed 30588243 (cited by Institute for Genomic Medicine (IGM) Clinical Laboratory, Nationwide Children's Hospital); PubMed 22820256 (cited by Institute for Genomic Medicine (IGM) Clinical Laboratory, Nationwide Children's Hospital); PubMed 28726821 (cited by Institute for Genomic Medicine (IGM) Clinical Laboratory, Nationwide Children's Hospital); PubMed 31799776 (cited by Institute for Genomic Medicine (IGM) Clinical Laboratory, Nationwide Children's Hospital).

NM_001320.7(CSNK2B):c.277G>A (p.Gly93Ser)

Gene: CSNK2B (casein kinase 2 beta; plus strand). Cytogenetic location: 6p21.33.
Variant type: single nucleotide variant.
Coding change: c.277G>A on transcript NM_001320.7 (MANE Select); coding-DNA position 277, G replaced by A.
Protein change: p.Gly93Ser; replaces glycine 93 with serine.
Molecular consequence: missense variant.
Genome position (GRCh38, 1-based): chr6:31,668,640, G>A. VCF-style: chr6-31668640-G-A. GRCh37 (hg19) VCF-style: chr6-31636417-G-A.
Other names: c.277G>A, p.Gly93Ser (NM_001282385.2); short protein forms G93S.
Identifiers: ClinVar variation 2429637 (VCV002429637.10), dbSNP rs2536963048, ClinGen allele CA363473599.
Genomic context (GRCh38, chr6:31,668,640, plus strand): 5'-GAGCAGGCAGCCGAGATGCTTTATGGATTGATCCACGCCCGCTACATCCTTACCAACCGT[G>A]GCATCGCCCAGATGGTGAGGCCTCTCTGCTCCTACCTGCCTCCTTCTGAGCAGTAAGAGA-3'
Protein context (NP_001311.3, residues 83-103): IHARYILTNR[Gly93Ser]IAQMLEKYQQ